The following is an entry in ClinVar:

ClinVar aggregate classification (germline): Uncertain significance (1 of 4 stars; one submission).

Conditions:
Hypertrophic cardiomyopathy. Also called: HYPERTROPHIC MYOCARDIOPATHY. Identifiers: Orphanet 217569, MedGen C0007194, MeSH D002312, MONDO:0005045, HP:0001639.

Allele frequency attached by ClinVar (database versions not stated): gnomAD exomes below 0.00001.
gnomAD v4.1: 3 of 1,614,242 alleles (0.00019%); highest among the groups gnomAD compares: Non-Finnish European, 0.00025%; no homozygotes.

Submission:

Labcorp Genetics (formerly Invitae), Labcorp
Classification: Uncertain significance for Hypertrophic cardiomyopathy. Last evaluated: 2018-07-19. Review status: criteria provided, single submitter. Criteria: Invitae Variant Classification Sherloc (09022015). Collection method: clinical testing. Allele origin: germline.
Comment: This variant is not present in population databases (ExAC no frequency). This sequence change replaces valine with isoleucine at codon 246 of the TPM1 protein (p.Val246Ile). The valine residue is highly conserved and there is a small physicochemical difference between valine and isoleucine. This variant has not been reported in the literature in individuals with TPM1-related disease. In summary, the available evidence is currently insufficient to determine the role of this variant in disease. Therefore, it has been classified as a Variant of Uncertain Significance. Algorithms developed to predict the effect of missense changes on protein structure and function are either unavailable or do not agree on the potential impact of this missense change (SIFT: "Tolerated"; PolyPhen-2: "Probably Damaging"; Align-GVGD: "Class C0").

NM_001018005.2(TPM1):c.736G>A (p.Val246Ile)

Gene: TPM1 (tropomyosin 1; plus strand). Cytogenetic location: 15q22.2.
Variant type: single nucleotide variant.
Coding change: c.736G>A on transcript NM_001018005.2 (MANE Select); coding-DNA position 736, G replaced by A.
Protein change: p.Val246Ile; replaces valine 246 with isoleucine.
Molecular consequence: missense variant.
Genome position (GRCh38, 1-based): chr15:63,062,609, G>A. VCF-style: chr15-63062609-G-A. GRCh37 (hg19) VCF-style: chr15-63354808-G-A.
Other names: c.736G>A, p.Val246Ile (NM_000366.6, NM_001018004.2, NM_001018006.2 and 6 more transcripts); c.628G>A, p.Val210Ile (NM_001018008.2, NM_001301289.2, NM_001330344.2 and 5 more transcripts); c.862G>A, p.Val288Ile (NM_001365778.1); short protein forms V210I, V246I, V288I.
Identifiers: ClinVar variation 665313 (VCV000665313.8), dbSNP rs1596386599, ClinGen allele CA392724605.